The following is an entry in ClinVar:

NM_000489.6(ATRX):c.3518C>T (p.Ser1173Leu)

Gene: ATRX (ATRX chromatin remodeler; minus strand). Cytogenetic location: Xq21.1.
Variant type: single nucleotide variant.
Coding change: c.3518C>T on transcript NM_000489.6 (MANE Select); coding-DNA position 3518, C replaced by T.
Protein change: p.Ser1173Leu; replaces serine 1173 with leucine.
Molecular consequence: missense variant.
Genome position (GRCh38, 1-based): chrX:77,681,738, G>A on the plus strand (C>T on the coding strand, the complement: ATRX is on the minus strand). VCF-style: chrX-77681738-G-A. GRCh37 (hg19) VCF-style: chrX-76937230-G-A.
Other names: c.3404C>T, p.Ser1135Leu (NM_138270.5); short protein forms S1135L, S1173L.
Identifiers: ClinVar variation 4801104 (VCV004801104.1).

ClinVar aggregate classification (germline): Uncertain significance (1 of 4 stars; one submission).

Conditions:
Alpha thalassemia-X-linked intellectual disability syndrome (ATRX). Also called: ALPHA-THALASSEMIA/MENTAL RETARDATION SYNDROME, X-LINKED; ATR, NONDELETION TYPE; ATR-X syndrome; Alpha thalassemia mental retardation syndrome, nondeletion type, X-linked; XLMR hypotonic face syndrome; X-linked alpha-thalassemia-mental retardation syndrome. Identifiers: Orphanet 847, MedGen C1845055, MONDO:0010519, OMIM 301040.

Submission:

Labcorp Genetics (formerly Invitae), Labcorp
Classification: Uncertain significance for Alpha thalassemia-X-linked intellectual disability syndrome. Last evaluated: 2025-05-09. Review status: criteria provided, single submitter. Criteria: Invitae Variant Classification Sherloc (09022015). Collection method: clinical testing. Allele origin: germline.
Comment: This sequence change replaces serine, which is neutral and polar, with leucine, which is neutral and non-polar, at codon 1173 of the ATRX protein (p.Ser1173Leu). This variant is not present in population databases (gnomAD no frequency). This variant has not been reported in the literature in individuals affected with ATRX-related conditions. Invitae Evidence Modeling of protein sequence and biophysical properties (such as structural, functional, and spatial information, amino acid conservation, physicochemical variation, residue mobility, and thermodynamic stability) indicates that this missense variant is not expected to disrupt ATRX protein function with a negative predictive value of 95%. In summary, the available evidence is currently insufficient to determine the role of this variant in disease. Therefore, it has been classified as a Variant of Uncertain Significance.